The following is an entry in ClinVar:

ClinVar aggregate classification (germline): Benign (1 of 4 stars; one submission).

Conditions:
Peutz-Jeghers syndrome (PJS). Also called: POLYPOSIS, HAMARTOMATOUS INTESTINAL; POLYPS-AND-SPOTS SYNDROME; Peutz-Jeghers polyposis; Periorificial lentiginosis syndrome. Identifiers: Orphanet 2869, MedGen C0031269, MeSH D010580, MONDO:0008280, OMIM 175200.

gnomAD v4.1: 2 of 1,598,712 alleles (0.00013%); highest among the groups gnomAD compares: Non-Finnish European, 0.00017%; no homozygotes.

Submission:

Myriad Genetics, Inc.
Classification: Benign for Peutz-Jeghers syndrome. Last evaluated: 2025-03-25. Review status: criteria provided, single submitter. Criteria: Myriad Autosomal Dominant, Autosomal Recessive and X-Linked Classification Criteria (2023). Collection method: clinical testing. Allele origin: unknown.
Comment: This variant is considered benign. This variant is a silent/synonymous amino acid change and it is not expected to impact splicing.

NM_000455.5(STK11):c.411G>A (p.Gln137=)

Gene: STK11 (serine/threonine kinase 11; plus strand). Cytogenetic location: 19p13.3.
Variant type: single nucleotide variant.
Coding change: c.411G>A on transcript NM_000455.5 (MANE Select); coding-DNA position 411, G replaced by A.
Protein change: p.Gln137=; no amino-acid change (glutamine 137 retained).
Molecular consequence: synonymous variant. On other transcripts: non-coding transcript variant (1).
Genome position (GRCh38, 1-based): chr19:1,219,360, G>A. VCF-style: chr19-1219360-G-A. GRCh37 (hg19) VCF-style: chr19-1219359-G-A.
Other names: c.411G>A, p.Gln137= (NM_001407255.1).
Identifiers: ClinVar variation 3903626 (VCV003903626.1).